The following is an entry in ClinVar:

ClinVar aggregate classification (germline): Uncertain significance. Review status: criteria provided, multiple submitters, no conflicts (2 of 4 stars). 2 submissions from 2 submitters: Uncertain significance (2). Last evaluated 2025-07-24.

Conditions:
Hereditary cancer-predisposing syndrome. Also called: Hereditary neoplastic syndrome; Tumor predisposition; Hereditary Cancer Syndrome; Neoplastic Syndromes, Hereditary. Identifiers: Orphanet 140162, MedGen C0027672, MeSH D009386, MONDO:0015356.
Haddad syndrome (OHD). Also called: Ondine-Hirschsprung disease. Identifiers: Orphanet 99803, MedGen C1859049, MONDO:0020493.

Allele frequency attached by ClinVar (database versions not stated): gnomAD exomes below 0.00001.
gnomAD v4.1: 2 of 1,614,064 alleles (0.00012%); highest among the groups gnomAD compares: Non-Finnish European, 0.00017%; no homozygotes.

Submissions (2):

Ambry Genetics
Classification: Uncertain significance for Hereditary cancer-predisposing syndrome. Last evaluated: 2025-07-24. Review status: criteria provided, single submitter. Criteria: Ambry Variant Classification Scheme 2023. Collection method: clinical testing. Allele origin: germline.
Comment: The p.S25N variant (also known as c.74G>A), located in coding exon 1 of the PHOX2B gene, results from a G to A substitution at nucleotide position 74. The serine at codon 25 is replaced by asparagine, an amino acid with highly similar properties. This amino acid position is conserved. In addition, the in silico prediction for this alteration is inconclusive. Based on the available evidence, the clinical significance of this variant remains unclear.

Labcorp Genetics (formerly Invitae), Labcorp
Classification: Uncertain significance for Haddad syndrome. Last evaluated: 2022-12-01. Review status: criteria provided, single submitter. Criteria: Invitae Variant Classification Sherloc (09022015). Collection method: clinical testing. Allele origin: germline.
Comment: This variant has not been reported in the literature in individuals affected with PHOX2B-related conditions. Algorithms developed to predict the effect of missense changes on protein structure and function are either unavailable or do not agree on the potential impact of this missense change (SIFT: "Deleterious"; PolyPhen-2: "Benign"; Align-GVGD: "Class C45"). In summary, the available evidence is currently insufficient to determine the role of this variant in disease. Therefore, it has been classified as a Variant of Uncertain Significance. This variant is not present in population databases (gnomAD no frequency). This sequence change replaces serine, which is neutral and polar, with asparagine, which is neutral and polar, at codon 25 of the PHOX2B protein (p.Ser25Asn).

NM_003924.4(PHOX2B):c.74G>A (p.Ser25Asn)

Genes: PHOX2B-AS1 (PHOX2B antisense RNA 1; plus strand), PHOX2B (paired like homeobox 2B; minus strand). Cytogenetic location: 4p13.
Variant type: single nucleotide variant.
Coding change: c.74G>A on transcript NM_003924.4 (MANE Select); coding-DNA position 74, G replaced by A.
Protein change: p.Ser25Asn; replaces serine 25 with asparagine.
Molecular consequence: missense variant.
Genome position (GRCh38, 1-based): chr4:41,748,537, C>T on the plus strand (G>A on the coding strand, the complement: PHOX2B is on the minus strand). VCF-style: chr4-41748537-C-T. GRCh37 (hg19) VCF-style: chr4-41750554-C-T.
Other names: short protein forms S25N.
Identifiers: ClinVar variation 1952773 (VCV001952773.6), dbSNP rs2153113067, ClinGen allele CA356741153.
Genomic context (GRCh38, chr4:41,748,537, plus strand): 5'-TTATACTGGAAGCCACTGGCCTGGCTGCAGGAACTGAAGTCAGCATAGGCTGAAGCCAGG[C>T]TCGAGGTGTCCATCCCAGCCATACAGGACTCGTAGGCAGAGGAATTGAGGTAAGAATATT-3'
Protein context (NP_003915.2, residues 15-35): ESCMAGMDTS[Ser25Asn]LASAYADFSS